The following is an entry in ClinVar:

NM_000051.4(ATM):c.8559G>C (p.Thr2853=)

Genes: ATM (ATM serine/threonine kinase; plus strand), C11orf65 (chromosome 11 open reading frame 65; minus strand). Cytogenetic location: 11q22.3.
Variant type: single nucleotide variant.
Coding change: c.8559G>C on transcript NM_000051.4 (MANE Select); coding-DNA position 8559, G replaced by C.
Protein change: p.Thr2853=; no amino-acid change (threonine 2853 retained).
Molecular consequence: synonymous variant. On other transcripts: intron variant (2).
Genome position (GRCh38, 1-based): chr11:108,345,883, G>C. VCF-style: chr11-108345883-G-C. GRCh37 (hg19) VCF-style: chr11-108216610-G-C.
Other names: c.8559G>C, p.Thr2853= (NM_001351834.2); c.641-36812C>G (NM_001330368.2); c.695-10591C>G (NM_001351110.2).
Identifiers: ClinVar variation 745566 (VCV000745566.12), dbSNP rs368058202, ClinGen allele CA476673147.

ClinVar aggregate classification (germline): Benign/Likely benign. Review status: criteria provided, multiple submitters, no conflicts (2 of 4 stars). 3 submissions from 3 submitters: Benign (1); Likely benign (2). Last evaluated 2024-08-05.

Conditions:
Familial cancer of breast. Also called: Hereditary breast cancer; BREAST CANCER, FAMILIAL; hereditary breast carcinoma. Identifiers: Orphanet 227535, MedGen C0346153, MONDO:0016419, OMIM 114480. Disease mechanism: loss of function.
Hereditary cancer-predisposing syndrome. Also called: Tumor predisposition; Hereditary neoplastic syndrome; Neoplastic Syndromes, Hereditary; Hereditary Cancer Syndrome. Identifiers: Orphanet 140162, MedGen C0027672, MeSH D009386, MONDO:0015356.
Ataxia-telangiectasia syndrome (AT). Also called: Ataxia-telangiectasia, complementation group D; AT, COMPLEMENTATION GROUP C; ATAXIA-TELANGIECTASIA, COMPLEMENTATION GROUP A; ATAXIA-TELANGIECTASIA, FRESNO VARIANT; Ataxia-telangiectasia; LOUIS-BAR SYNDROME. Identifiers: Orphanet 100, MedGen C0004135, MONDO:0008840, OMIM 208900.

Submissions (3):

Color Diagnostics, LLC DBA Color Health
Classification: Likely benign for Hereditary cancer-predisposing syndrome. Last evaluated: 2024-08-05. Review status: criteria provided, single submitter. Criteria: ACMG Guidelines, 2015. Collection method: clinical testing. Allele origin: germline.

Myriad Genetics, Inc.
Classification: Benign for Familial cancer of breast. Last evaluated: 2024-06-20. Review status: criteria provided, single submitter. Criteria: Myriad Autosomal Dominant, Autosomal Recessive and X-Linked Classification Criteria (2023). Collection method: clinical testing. Allele origin: unknown.
Comment: This variant is considered benign. This variant is a silent/synonymous amino acid change and it is not expected to impact splicing.

Labcorp Genetics (formerly Invitae), Labcorp
Classification: Likely benign for Ataxia-telangiectasia syndrome. Last evaluated: 2024-04-10. Review status: criteria provided, single submitter. Criteria: Invitae Variant Classification Sherloc (09022015). Collection method: clinical testing. Allele origin: germline.